The following is an entry in ClinVar:

ClinVar aggregate classification (germline): Uncertain significance (1 of 4 stars; one submission).

Allele frequency attached by ClinVar (database versions not stated): gnomAD 0.00001.
gnomAD v4.1: 1 of 1,613,744 alleles (0.000062%); highest among the groups gnomAD compares: Admixed American, 0.0017%; no homozygotes.

Submission:

Labcorp Genetics (formerly Invitae), Labcorp
Classification: Uncertain significance. Last evaluated: 2022-04-01. Review status: criteria provided, single submitter. Criteria: Invitae Variant Classification Sherloc (09022015). Collection method: clinical testing. Allele origin: germline.
Comment: This sequence change replaces glycine, which is neutral and non-polar, with glutamic acid, which is acidic and polar, at codon 253 of the RELB protein (p.Gly253Glu). This variant is not present in population databases (gnomAD no frequency). This variant has not been reported in the literature in individuals affected with RELB-related conditions. Algorithms developed to predict the effect of missense changes on protein structure and function are either unavailable or do not agree on the potential impact of this missense change (SIFT: "Deleterious"; PolyPhen-2: "Benign"; Align-GVGD: "Class C65"). In summary, the available evidence is currently insufficient to determine the role of this variant in disease. Therefore, it has been classified as a Variant of Uncertain Significance.

NM_006509.4(RELB):c.758G>A (p.Gly253Glu)

Gene: RELB (RELB proto-oncogene, NF-kB subunit; plus strand). Cytogenetic location: 19q13.32.
Variant type: single nucleotide variant.
Coding change: c.758G>A on transcript NM_006509.4 (MANE Select); coding-DNA position 758, G replaced by A.
Protein change: p.Gly253Glu; replaces glycine 253 with glutamic acid.
Molecular consequence: missense variant.
Genome position (GRCh38, 1-based): chr19:45,025,609, G>A. VCF-style: chr19-45025609-G-A. GRCh37 (hg19) VCF-style: chr19-45528867-G-A.
Other names: c.749G>A, p.Gly250Glu (NM_001411087.1); short protein forms G253E, G250E.
Identifiers: ClinVar variation 1946291 (VCV001946291.5), dbSNP rs1971549266, ClinGen allele CA406299328.